The following is an entry in ClinVar:

ClinVar aggregate classification (germline): Uncertain significance (1 of 4 stars; one submission).

Conditions:
Tay-Sachs disease (TSD). Also called: Hexosaminidase A Deficiency; HEXA DEFICIENCY; HEXA Disorders; GM2 gangliosidosis, type 1; Hexosaminidase alpha-subunit deficiency (variant B); Sphingolipidosis, Tay-Sachs. Identifiers: Orphanet 845, MedGen C0039373, MONDO:0010100, OMIM 272800.

Submission:

Labcorp Genetics (formerly Invitae), Labcorp
Classification: Uncertain significance for Tay-Sachs disease. Last evaluated: 2022-05-04. Review status: criteria provided, single submitter. Criteria: Invitae Variant Classification Sherloc (09022015). Collection method: clinical testing. Allele origin: germline.
Comment: This sequence change replaces alanine, which is neutral and non-polar, with leucine, which is neutral and non-polar, at codon 17 of the HEXA protein (p.Ala17Leu). Information on the frequency of this variant in the gnomAD database is not available, as this variant may be reported differently in the database. This variant has not been reported in the literature in individuals affected with HEXA-related conditions. Experimental studies and prediction algorithms are not available or were not evaluated, and the functional significance of this variant is currently unknown. In summary, the available evidence is currently insufficient to determine the role of this variant in disease. Therefore, it has been classified as a Variant of Uncertain Significance.

NM_000520.6(HEXA):c.49_50delinsTT (p.Ala17Leu)

Gene: HEXA (hexosaminidase subunit alpha; minus strand). Cytogenetic location: 15q23.
Variant type: Indel.
Coding change: c.49_50delinsTT on transcript NM_000520.6 (MANE Select); coding-DNA positions 49 to 50, GC replaced by TT.
Protein change: p.Ala17Leu; replaces alanine 17 with leucine.
Molecular consequence: missense variant. On other transcripts: non-coding transcript variant (1).
Genome position (GRCh38, 1-based): chr15:72,375,923-72,375,924, GC replaced by AA on the plus strand (GC replaced by TT on the coding strand, the reverse complement: HEXA is on the minus strand). VCF-style: chr15-72375923-GC-AA. GRCh37 (hg19) VCF-style: chr15-72668264-GC-AA.
Other names: c.49_50delinsTT, p.Ala17Leu (NM_001318825.2); short protein forms A17L.
Identifiers: ClinVar variation 1905393 (VCV001905393.2), dbSNP rs2542582542, ClinGen allele CA2580089947.